The following is an entry in ClinVar:

NM_001025616.3(ARHGAP24):c.1187C>G (p.Ser396Ter)

Gene: ARHGAP24 (Rho GTPase activating protein 24; plus strand). Cytogenetic location: 4q21.23.
Variant type: single nucleotide variant.
Coding change: c.1187C>G on transcript NM_001025616.3 (MANE Select); coding-DNA position 1187, C replaced by G.
Protein change: p.Ser396Ter; replaces serine 396 with a stop codon.
Molecular consequence: nonsense.
Genome position (GRCh38, 1-based): chr4:85,994,841, C>G. VCF-style: chr4-85994841-C-G. GRCh37 (hg19) VCF-style: chr4-86915994-C-G.
Other names: c.902C>G, p.Ser301Ter (NM_001042669.2); c.932C>G, p.Ser311Ter (NM_001287805.2); c.608C>G, p.Ser203Ter (NM_001346093.2); c.908C>G, p.Ser303Ter (NM_031305.3); short protein forms S396*, S301*, S203*, S303*, S311*.
Identifiers: ClinVar variation 5009968 (VCV005009968.1).

ClinVar aggregate classification (germline): Uncertain significance (1 of 4 stars; one submission).

Submission:

GeneDx
Classification: Uncertain significance. Last evaluated: 2026-02-21. Review status: criteria provided, single submitter. Criteria: GeneDx Variant Classification Process June 2021. Collection method: clinical testing. Allele origin: germline.
Comment: Not observed at significant frequency in large population cohorts (gnomAD); Has not been previously published as pathogenic or benign to our knowledge; Nonsense variant predicted to result in protein truncation or nonsense mediated decay in a gene or region of a gene for which loss of function is not an established mechanism of disease